The following is an entry in ClinVar:

ClinVar aggregate classification (germline): Conflicting classifications of pathogenicity. Review status: criteria provided, conflicting classifications (1 of 4 stars). 7 submissions from 7 submitters: Uncertain significance (1); Benign (2); Likely benign (4). Last evaluated 2026-01-11.

Conditions:
Breast and/or ovarian cancer. Identifiers: MedGen CN221562.
Hereditary cancer-predisposing syndrome. Also called: Tumor predisposition; Hereditary Cancer Syndrome; Hereditary neoplastic syndrome; Neoplastic Syndromes, Hereditary. Identifiers: Orphanet 140162, MedGen C0027672, MeSH D009386, MONDO:0015356.
Hereditary breast ovarian cancer syndrome. Also called: Breast and ovarian cancer; Hereditary breast and ovarian cancer; Hereditary breast and/or ovarian cancer syndrome; BRCA1- and BRCA2-Associated Hereditary Breast and Ovarian Cancer; Hereditary breast and ovarian cancer syndrome (HBOC); Hereditary breast and ovarian cancer syndrome. Identifiers: Orphanet 145, MedGen C0677776, MeSH D061325, MONDO:0003582. Disease mechanism: loss of function.
Familial cancer of breast. Also called: BREAST CANCER, FAMILIAL; Hereditary breast cancer; hereditary breast carcinoma. Identifiers: Orphanet 227535, MedGen C0346153, MONDO:0016419, OMIM 114480. Disease mechanism: loss of function.

Allele frequency attached by ClinVar (database versions not stated): TOPMed 0.00002; ESP Exome Variant Server 0.00008.
gnomAD v4.1: 40 of 1,612,996 alleles (0.0025%); highest among the groups gnomAD compares: Middle Eastern, 0.033%; no homozygotes.

Submissions (7):

Labcorp Genetics (formerly Invitae), Labcorp
Classification: Likely benign for Familial cancer of breast. Last evaluated: 2026-01-11. Review status: criteria provided, single submitter. Criteria: Invitae Variant Classification Sherloc (09022015). Collection method: clinical testing. Allele origin: germline.

Myriad Genetics, Inc.
Classification: Benign for Familial cancer of breast. Last evaluated: 2025-01-21. Review status: criteria provided, single submitter. Criteria: Myriad Autosomal Dominant, Autosomal Recessive and X-Linked Classification Criteria (2023). Collection method: clinical testing. Allele origin: unknown.
Comment: This variant is considered benign. This variant is intronic and is not expected to impact mRNA splicing. This variant is strongly associated with less severe personal and family histories of cancer, typical for individuals without pathogenic variants in this gene [PMID: 25085752].

Department of Pathology and Laboratory Medicine, Sinai Health System
Classification: Likely benign for Hereditary breast ovarian cancer syndrome. Last evaluated: 2024-02-26. Review status: criteria provided, single submitter. Criteria: ACMG Guidelines, 2015. Collection method: clinical testing. Allele origin: germline. Affected: yes.

CHEO Genetics Diagnostic Laboratory, Children's Hospital of Eastern Ontario
Classification: Uncertain significance for Breast and/or ovarian cancer. Last evaluated: 2023-06-20. Review status: criteria provided, single submitter. Criteria: ACMG Guidelines, 2015. Collection method: clinical testing. Allele origin: germline.

Quest Diagnostics Nichols Institute San Juan Capistrano
Classification: Likely benign. Last evaluated: 2023-05-18. Review status: criteria provided, single submitter. Criteria: Quest Diagnostics criteria. Collection method: clinical testing. Allele origin: unknown.

Color Diagnostics, LLC DBA Color Health
Classification: Likely benign for Hereditary cancer-predisposing syndrome. Last evaluated: 2017-06-19. Review status: criteria provided, single submitter. Criteria: ACMG Guidelines, 2015. Collection method: clinical testing. Allele origin: germline.

GeneDx
Classification: Benign. Last evaluated: 2014-07-23. Review status: criteria provided, single submitter. Criteria: GeneDx Variant Classification (06012015). Collection method: clinical testing. Allele origin: germline. Affected: yes.
Comment: This variant is considered likely benign or benign based on one or more of the following criteria: it is a conservative change, it occurs at a poorly conserved position in the protein, it is predicted to be benign by multiple in silico algorithms, and/or has population frequency not consistent with disease.

Literature cited by the submitters: PubMed 25085752 (cited by Myriad Genetics, Inc.); PubMed 20722467 (cited by Quest Diagnostics Nichols Institute San Juan Capistrano); PubMed 28779002 (cited by Quest Diagnostics Nichols Institute San Juan Capistrano).

NM_024675.4(PALB2):c.3202-8G>T

Gene: PALB2 (partner and localizer of BRCA2; minus strand). Cytogenetic location: 16p12.2.
Variant type: single nucleotide variant.
Coding change: c.3202-8G>T on transcript NM_024675.4 (MANE Select); 8 bases into the intron before coding-DNA position 3202, G replaced by T.
Molecular consequence: intron variant.
Genome position (GRCh38, 1-based): chr16:23,608,020, C>A on the plus strand (G>T on the coding strand, the complement: PALB2 is on the minus strand). VCF-style: chr16-23608020-C-A. GRCh37 (hg19) VCF-style: chr16-23619341-C-A.
Identifiers: ClinVar variation 182750 (VCV000182750.20), dbSNP rs367979106, ClinGen allele CA299680.